The following is an entry in ClinVar:

ClinVar aggregate classification (germline): Uncertain significance (1 of 4 stars; one submission).

Conditions:
Lethal multiple pterygium syndrome (LMPS). Identifiers: Orphanet 33108, MedGen C1854678, MONDO:0009668, OMIM 253290.

Submission:

Labcorp Genetics (formerly Invitae), Labcorp
Classification: Uncertain significance for Lethal multiple pterygium syndrome. Last evaluated: 2022-02-17. Review status: criteria provided, single submitter. Criteria: Invitae Variant Classification Sherloc (09022015). Collection method: clinical testing. Allele origin: germline.
Comment: This variant has not been reported in the literature in individuals affected with CHRND-related conditions. This sequence change falls in intron 3 of the CHRND gene. It does not directly change the encoded amino acid sequence of the CHRND protein. It affects a nucleotide within the consensus splice site. This variant is not present in population databases (gnomAD no frequency). Variants that disrupt the consensus splice site are a relatively common cause of aberrant splicing (PMID: 17576681, 9536098). Algorithms developed to predict the effect of sequence changes on RNA splicing suggest that this variant is not likely to affect RNA splicing. In summary, the available evidence is currently insufficient to determine the role of this variant in disease. Therefore, it has been classified as a Variant of Uncertain Significance.

Literature cited by the submitters: PubMed 17576681; PubMed 9536098.

NM_000751.3(CHRND):c.244-3C>T

Gene: CHRND (cholinergic receptor nicotinic delta subunit; plus strand). Cytogenetic location: 2q37.1.
Variant type: single nucleotide variant.
Coding change: c.244-3C>T on transcript NM_000751.3 (MANE Select); 3 bases into the intron before coding-DNA position 244, C replaced by T.
Molecular consequence: intron variant.
Genome position (GRCh38, 1-based): chr2:232,528,259, C>T. VCF-style: chr2-232528259-C-T. GRCh37 (hg19) VCF-style: chr2-233392969-C-T.
Other names: c.-28-3C>T (NM_001311195.2, NM_001311196.2); c.199-3C>T (NM_001256657.2).
Identifiers: ClinVar variation 1968006 (VCV001968006.5), dbSNP rs2469717950, ClinGen allele CA2580066059.
Genomic context (GRCh38, chr2:232,528,259, plus strand): 5'-TGGGGGGAGCCAGGAGCCTGGATGGCTGCAGAGTGCACTGGTGACATGCCTTTGGGATTC[C>T]AGGGCTGGACAGACAACCGGCTGAAGTGGAATGCTGAAGAATTTGGAAACATCAGTGTCC-3'